The following is an entry in ClinVar:

NM_000048.4(ASL):c.348+1G>A

Gene: ASL (argininosuccinate lyase; plus strand). Cytogenetic location: 7q11.21.
Variant type: single nucleotide variant.
Coding change: c.348+1G>A on transcript NM_000048.4 (MANE Select); the canonical splice donor site of the intron after coding-DNA position 348, G replaced by A.
Molecular consequence: splice donor variant.
Genome position (GRCh38, 1-based): chr7:66,082,937, G>A. VCF-style: chr7-66082937-G-A. GRCh37 (hg19) VCF-style: chr7-65547924-G-A.
Other names: c.348+1G>A (NM_001024943.2, NM_001024944.2, NM_001024946.2 and 1 more transcripts).
Identifiers: ClinVar variation 2678730 (VCV002678730.5), dbSNP rs2115698756, ClinGen allele CA367639258.

ClinVar aggregate classification (germline): Pathogenic/Likely pathogenic. Review status: criteria provided, multiple submitters, no conflicts (2 of 4 stars). 3 submissions from 3 submitters: Pathogenic (2); Likely pathogenic (1). Last evaluated 2025-09-12.

Conditions:
Argininosuccinate lyase deficiency. Also called: Argininosuccinic aciduria; ARGININOSUCCINIC ACID LYASE DEFICIENCY; ASL DEFICIENCY. Identifiers: Orphanet 23, MedGen C0268547, MONDO:0008815, OMIM 207900, HP:0025630.

Allele frequency attached by ClinVar (database versions not stated): gnomAD exomes below 0.00001.
gnomAD v4.1: 1 of 1,613,660 alleles (0.000062%); highest among the groups gnomAD compares: Non-Finnish European, 0.000085%; no homozygotes.

Submissions (3):

Natera, Inc.
Classification: Likely pathogenic for Argininosuccinate lyase deficiency. Last evaluated: 2025-09-12. Review status: criteria provided, single submitter. Criteria: Natera Variant Classification Schema (03/2026). Collection method: clinical testing. Allele origin: germline.
Comment: The c.348+1G>A variant in ASL is a canonical splice donor site variant predicted to affect pre-mRNA splicing, which may result in an abnormal transcript and altered protein product. This variant is expected to result in nonsense mediated decay, truncation, or a dysfunctional protein product. This variant is rare in the general population with a frequency below the threshold expected for the associated phenotype(s). This variant has been observed in one or more individuals affected with the associated recessive disease, as either homozygous or compound heterozygous with a second variant (PMID: 28251416). Given the available evidence, this variant is classified as Likely Pathogenic.

Baylor Genetics
Classification: Pathogenic for Argininosuccinate lyase deficiency. Last evaluated: 2023-06-19. Review status: criteria provided, single submitter. Criteria: ACMG Guidelines, 2015. Collection method: clinical testing. Allele origin: unknown.

Labcorp Genetics (formerly Invitae), Labcorp
Classification: Pathogenic for Argininosuccinate lyase deficiency. Last evaluated: 2023-05-02. Review status: criteria provided, single submitter. Criteria: Invitae Variant Classification Sherloc (09022015). Collection method: clinical testing. Allele origin: germline.
Comment: For these reasons, this variant has been classified as Pathogenic. Algorithms developed to predict the effect of sequence changes on RNA splicing suggest that this variant may disrupt the consensus splice site. Disruption of this splice site has been observed in individual(s) with argininosuccinate lyase deficiency (PMID: 28251416). This variant is not present in population databases (gnomAD no frequency). This sequence change affects a donor splice site in intron 5 of the ASL gene. It is expected to disrupt RNA splicing. Variants that disrupt the donor or acceptor splice site typically lead to a loss of protein function (PMID: 16199547), and loss-of-function variants in ASL are known to be pathogenic (PMID: 2263616, 24166829).

Literature cited by the submitters: PubMed 28251416 (cited by Natera, Inc. and Labcorp Genetics (formerly Invitae), Labcorp); PubMed 16199547 (cited by Labcorp Genetics (formerly Invitae), Labcorp); PubMed 2263616 (cited by Labcorp Genetics (formerly Invitae), Labcorp); PubMed 24166829 (cited by Labcorp Genetics (formerly Invitae), Labcorp).